The following is an entry in ClinVar:

NM_182931.3(KMT2E):c.621G>T (p.Gln207His)

Gene: KMT2E (lysine methyltransferase 2E (inactive); plus strand). Cytogenetic location: 7q22.3.
Variant type: single nucleotide variant.
Coding change: c.621G>T on transcript NM_182931.3 (MANE Select); coding-DNA position 621, G replaced by T.
Protein change: p.Gln207His; replaces glutamine 207 with histidine.
Molecular consequence: missense variant.
Genome position (GRCh38, 1-based): chr7:105,074,707, G>T. VCF-style: chr7-105074707-G-T. GRCh37 (hg19) VCF-style: chr7-104715154-G-T.
Other names: c.621G>T, p.Gln207His (NM_001410908.1, NM_018682.4); c.621G>T (NM_182931.2); short protein forms Q207H.
Identifiers: ClinVar variation 2178457 (VCV002178457.6), dbSNP rs374027563, ClinGen allele CA4423757.

ClinVar aggregate classification (germline): Conflicting classifications of pathogenicity. Review status: criteria provided, conflicting classifications (1 of 4 stars). 3 submissions from 3 submitters: Uncertain significance (1); Likely benign (2). Last evaluated 2026-02-18.

Conditions:
KMT2E-related disorder. Also called: KMT2E-related condition.
Inborn genetic diseases. Identifiers: MedGen C0950123, MeSH D030342.

Allele frequency attached by ClinVar (database versions not stated): ExAC 0.00004; gnomAD 0.00007; ESP Exome Variant Server 0.00008.
gnomAD v4.1: 46 of 1,608,082 alleles (0.0029%); highest among the groups gnomAD compares: Admixed American, 0.017%; no homozygotes.

Submissions (3):

PreventionGenetics, part of Exact Sciences
Classification: Uncertain significance for KMT2E-related condition. Last evaluated: 2026-02-18. Review status: criteria provided, single submitter. Criteria: ACMG Guidelines, 2015. Collection method: clinical testing. Allele origin: germline.
Comment: The KMT2E c.621G>T variant is predicted to result in the amino acid substitution p.Gln207His. To our knowledge, this variant has not been reported in the literature. This variant is reported in 0.0080% of alleles in individuals of European (Non-Finnish) descent in gnomAD. At this time, the clinical significance of this variant is uncertain due to the absence of conclusive functional and genetic evidence.

Labcorp Genetics (formerly Invitae), Labcorp
Classification: Likely benign. Last evaluated: 2024-09-15. Review status: criteria provided, single submitter. Criteria: Invitae Variant Classification Sherloc (09022015). Collection method: clinical testing. Allele origin: germline.

Ambry Genetics
Classification: Likely benign for Inborn genetic diseases. Last evaluated: 2024-03-01. Review status: criteria provided, single submitter. Criteria: Ambry Variant Classification Scheme 2023. Collection method: clinical testing. Allele origin: germline.